The following is an entry in ClinVar:

ClinVar aggregate classification (germline): Uncertain significance (1 of 4 stars; one submission).

Conditions:
Mucopolysaccharidosis, MPS-III-D (MPS3D). Also called: N-ACETYLGLUCOSAMINE-6-SULFATASE DEFICIENCY; SANFILIPPO SYNDROME D; MPS III D; Mucopoly-saccharidosis type 3D; N-acetylglucosamine-6-sulfate sulfatase deficiency; MPS 3D. Identifiers: Orphanet 581, Orphanet 79272, MedGen C0086650, MONDO:0009658, OMIM 252940.

Submission:

Labcorp Genetics (formerly Invitae), Labcorp
Classification: Uncertain significance for Mucopolysaccharidosis, MPS-III-D. Last evaluated: 2023-08-17. Review status: criteria provided, single submitter. Criteria: Invitae Variant Classification Sherloc (09022015). Collection method: clinical testing. Allele origin: germline.
Comment: In summary, the available evidence is currently insufficient to determine the role of this variant in disease. Therefore, it has been classified as a Variant of Uncertain Significance. An algorithm developed to predict the effect of missense changes on protein structure and function (PolyPhen-2) suggests that this variant is likely to be disruptive. ClinVar contains an entry for this variant (Variation ID: 1966146). This variant has not been reported in the literature in individuals affected with GNS-related conditions. This variant is not present in population databases (gnomAD no frequency). This sequence change replaces cysteine, which is neutral and slightly polar, with glycine, which is neutral and non-polar, at codon 513 of the GNS protein (p.Cys513Gly).

NM_002076.4(GNS):c.1537T>G (p.Cys513Gly)

Gene: GNS (glucosamine (N-acetyl)-6-sulfatase; minus strand). Cytogenetic location: 12q14.3.
Variant type: single nucleotide variant.
Coding change: c.1537T>G on transcript NM_002076.4 (MANE Select); coding-DNA position 1537, T replaced by G.
Protein change: p.Cys513Gly; replaces cysteine 513 with glycine.
Molecular consequence: missense variant.
Genome position (GRCh38, 1-based): chr12:64,720,065, A>C on the plus strand (T>G on the coding strand, the complement: GNS is on the minus strand). VCF-style: chr12-64720065-A-C. GRCh37 (hg19) VCF-style: chr12-65113845-A-C.
Other names: short protein forms C513G.
Identifiers: ClinVar variation 1966146 (VCV001966146.5), dbSNP rs1868977514, ClinGen allele CA385600557.